The following is an entry in ClinVar:

NM_004409.5(DMPK):c.*224CTG[448]

Genes: DM1-AS (DM1 locus antisense RNA; plus strand), DMPK (DM1 protein kinase; minus strand), LOC107075317 (origin of replication in DMPK trinucleotide repeat region; plus strand), LOC109461477 (dystrophia myotonica protein kinase repeat instability region; plus strand). Cytogenetic location: 19q13.32.
Variant type: Microsatellite.
Coding change: c.*224CTG[448] on transcript NM_004409.5 (MANE Select); 448 copies in a row of the 3-base unit CTG starting at c.*224.
Molecular consequence: 3 prime UTR variant.
Genome position: GRCh38, VCF-style position (the base before the change): chr19:45,770,204. GRCh37 (hg19), VCF-style position (the base before the change): chr19:46,273,462.
Other names: DM1 CTG repeat expansion; c.*217CTG[448] (NM_001424166.1, NM_001081562.3, NM_001288765.2 and 2 more transcripts); c.*369CTG[448] (NM_001424168.1, NM_001288766.2, NM_001424164.1); c.*224CTG[448] (NM_001424169.1, NM_001424165.1, NM_001081560.3 and 1 more transcripts); c.*222_*224TGC[448] (NM_001081563.3).
Identifiers: ClinVar variation 187984 (VCV000187984.1), ClinGen allele CA915951802.

ClinVar aggregate classification (germline): Pathogenic (0 of 4 stars; one submission).

Conditions:
Steinert myotonic dystrophy syndrome (DM1). Also called: STEINERT DISEASE; Myotonic dystrophy type 1; Dystrophia myotonica type 1; Steinert myotonic dystrophy; Steinert's disease. Identifiers: Orphanet 273, MedGen C3250443, MONDO:0008056, OMIM 160900.

Submission:

Institute of Molecular, Cell and Systems Biology, University of Glasgow
Classification: Pathogenic for Steinert myotonic dystrophy syndrome. Review status: no assertion criteria provided. Criteria: research. Collection method: research. Allele origin: germline. Inheritance: Autosomal dominant inheritance. Affected: yes. Observed: 1 heterozygote.
Comment: DMPK CTG repeat expansions greater than approximately 45-50 repeats are assumed to be pathogenic

This record is based on data published in PubMed 25052313, which reports only ClinVar accessions SCV000120188 and SCV000120189. The complete data set includes SCV000207445 - SCV000207579.

Literature cited by the submitters: PubMed 1346923; PubMed 1546326; PubMed 25052313.